The following is an entry in ClinVar:

ClinVar aggregate classification (germline): Pathogenic. Review status: criteria provided, multiple submitters, no conflicts (2 of 4 stars). 6 submissions from 6 submitters: Pathogenic (6). Last evaluated 2025-12-03.

Conditions:
Hereditary cancer-predisposing syndrome. Also called: Hereditary neoplastic syndrome; Neoplastic Syndromes, Hereditary; Tumor predisposition; Hereditary Cancer Syndrome. Identifiers: Orphanet 140162, MedGen C0027672, MeSH D009386, MONDO:0015356.
BAP1-related tumor predisposition syndrome (TPDS1). Also called: TUMOR PREDISPOSITION SYNDROME 1; COMMON Syndrome; BAP1 tumor predisposition syndrome; Tumor susceptibility linked to germline BAP1 mutations. Identifiers: Orphanet 289539, MedGen C3280492, MONDO:0013692, OMIM 614327.

Submissions (6):

Labcorp Genetics (formerly Invitae), Labcorp
Classification: Pathogenic for BAP1-related tumor predisposition syndrome. Last evaluated: 2025-12-03. Review status: criteria provided, single submitter. Criteria: Invitae Variant Classification Sherloc (09022015). Collection method: clinical testing. Allele origin: germline.
Comment: This sequence change creates a premature translational stop signal (p.Gln593*) in the BAP1 gene. It is expected to result in an absent or disrupted protein product. Loss-of-function variants in BAP1 are known to be pathogenic (PMID: 21874000, 23684012). This variant is not present in population databases (gnomAD no frequency). This premature translational stop signal has been observed in individual(s) with BAP1 tumor predisposition syndrome (PMID: 26774355). It has also been observed to segregate with disease in related individuals. ClinVar contains an entry for this variant (Variation ID: 422219). For these reasons, this variant has been classified as Pathogenic.

Ambry Genetics
Classification: Pathogenic for Hereditary cancer-predisposing syndrome. Last evaluated: 2025-01-06. Review status: criteria provided, single submitter. Criteria: Ambry Variant Classification Scheme 2023. Collection method: clinical testing. Allele origin: germline.
Comment: The p.Q593* pathogenic mutation (also known as c.1777C>T), located in coding exon 14 of the BAP1 gene, results from a C to T substitution at nucleotide position 1777. This changes the amino acid from a glutamine to a stop codon within coding exon 14. This variant has been described multiple individuals diagnosed with BAP1-related cancers (McDonnell KJ et al. Cancer Genet, 2016 Mar;209:75-81; Garfield EM et al. J Am Acad Dermatol, 2018 Sep;79:525-534; Guo R et al. J Thorac Oncol, 2020 04;15:655-660). In addition to the clinical data presented in the literature, this alteration is expected to result in loss of function by premature protein truncation or nonsense-mediated mRNA decay. As such, this alteration is interpreted as a disease-causing mutation.

Quest Diagnostics Nichols Institute San Juan Capistrano
Classification: Pathogenic. Last evaluated: 2023-09-19. Review status: criteria provided, single submitter. Criteria: Quest Diagnostics criteria. Collection method: clinical testing. Allele origin: unknown.
Comment: The BAP1 c.1777C>T (p.Gln593*) variant causes the premature termination of BAP1 protein synthesis. This variant has been reported in the published literature in individuals with meningioma (PMID: 34628055 (2022)), melanoma (PMID: 31887429 (2020)). The variant also has been observed in an individual with multiple cancers such as papillary thyroid cancer, b-cell lymphoma, and basal cell carcinoma (PMID: 26774355 (2016)). This variant has not been reported in large, multi-ethnic general populations (Genome Aggregation Database). Based on the available information, this variant is classified as pathogenic.

Institute for Genomic Medicine, Nationwide Children's Hospital
Classification: Pathogenic for BAP1-related tumor predisposition syndrome. Last evaluated: 2021-07-09. Review status: criteria provided, single submitter. Criteria: ACMG Guidelines, 2015. Collection method: research. Allele origin: maternal, unknown. Inheritance: Autosomal dominant inheritance. Affected: yes. Observed: 2 variant alleles, 2 heterozygotes.
Comment: The c.1777C>T variant is predicted to cause a nonsense change at residue 593 of the BAP1 protein. It is absent from large public databases including gnomAD, and has been recently reported as pathogenic by multiple clinical laboratories. This variant was observed in a mother and daughter who developed meningiomas with rhabdoid features. We interpret the variant as pathogenic.

Fulgent Genetics
Classification: Pathogenic for BAP1-related tumor predisposition syndrome. Last evaluated: 2018-10-31. Review status: criteria provided, single submitter. Criteria: ACMG Guidelines, 2015. Collection method: clinical testing. Allele origin: unknown.

GeneDx
Classification: Pathogenic. Last evaluated: 2016-09-09. Review status: criteria provided, single submitter. Criteria: GeneDx Variant Classification (06012015). Collection method: clinical testing. Allele origin: germline. Affected: yes.
Comment: This variant is denoted BAP1 c.1777C>T at the cDNA level and p.Gln593Ter (Q593X) at the protein level. The substitution creates a nonsense variant, which changes a Glutamine to a premature stop codon (CAG>TAG), and is predicted to cause loss of normal protein function through either protein truncation or nonsense-mediated mRNA decay. McDonnell et al (2016) identified BAP1 Gln593Ter in an individual with a personal history of melanoma, thyroid neoplasia, basal cell carcinoma, and lymphoma and a family history of Spitz nevi, melanoma, and other cancers. We consider this variant to be pathogenic.

Literature cited by the submitters: PubMed 21874000 (cited by Labcorp Genetics (formerly Invitae), Labcorp); PubMed 23684012 (cited by Labcorp Genetics (formerly Invitae), Labcorp); PubMed 26774355 (cited by 3 submitters); PubMed 29753057 (cited by Ambry Genetics); PubMed 31887429 (cited by Ambry Genetics and Quest Diagnostics Nichols Institute San Juan Capistrano); PubMed 34628055 (cited by Quest Diagnostics Nichols Institute San Juan Capistrano).

NM_004656.4(BAP1):c.1777C>T (p.Gln593Ter)

Gene: BAP1 (BRCA1 associated deubiquitinase 1; minus strand). Cytogenetic location: 3p21.1.
Variant type: single nucleotide variant.
Coding change: c.1777C>T on transcript NM_004656.4 (MANE Select); coding-DNA position 1777, C replaced by T.
Protein change: p.Gln593Ter; replaces glutamine 593 with a stop codon.
Molecular consequence: nonsense.
Genome position (GRCh38, 1-based): chr3:52,403,251, G>A on the plus strand (C>T on the coding strand, the complement: BAP1 is on the minus strand). VCF-style: chr3-52403251-G-A. GRCh37 (hg19) VCF-style: chr3-52437267-G-A.
Other names: short protein forms Q593*.
Identifiers: ClinVar variation 422219 (VCV000422219.16), dbSNP rs1064795638, ClinGen allele CA16617996.